The following is an entry in ClinVar:

ClinVar aggregate classification (germline): Uncertain significance (1 of 4 stars; one submission).

Submission:

GeneDx
Classification: Uncertain significance. Last evaluated: 2025-06-09. Review status: criteria provided, single submitter. Criteria: GeneDx Variant Classification Process June 2021. Collection method: clinical testing. Allele origin: germline. Affected: yes.
Comment: Not observed at significant frequency in large population cohorts (gnomAD); In silico analysis supports that this missense variant has a deleterious effect on protein structure/function; Has not been previously published as pathogenic or benign to our knowledge

NM_001320.7(CSNK2B):c.55A>G (p.Asn19Asp)

Gene: CSNK2B (casein kinase 2 beta; plus strand). Cytogenetic location: 6p21.33.
Variant type: single nucleotide variant.
Coding change: c.55A>G on transcript NM_001320.7 (MANE Select); coding-DNA position 55, A replaced by G.
Protein change: p.Asn19Asp; replaces asparagine 19 with aspartic acid.
Molecular consequence: missense variant.
Genome position (GRCh38, 1-based): chr6:31,666,886, A>G. VCF-style: chr6-31666886-A-G. GRCh37 (hg19) VCF-style: chr6-31634663-A-G.
Other names: c.55A>G, p.Asn19Asp (NM_001282385.2); short protein forms N19D.
Identifiers: ClinVar variation 4538040 (VCV004538040.1).
Genomic context (GRCh38, chr6:31,666,886, plus strand): 5'-GTGAAGATGAGCAGCTCAGAGGAGGTGTCCTGGATTTCCTGGTTCTGTGGGCTCCGTGGC[A>G]ATGAATTCTTCTGTGAAGTGAGTTCTCTTCAACCTCCCTACTTGCCAGCTTCACATATCT-3'
Protein context (NP_001311.3, residues 9-29): WISWFCGLRG[Asn19Asp]EFFCEVDEDY